The following is an entry in ClinVar:

NM_004329.3(BMPR1A):c.244T>A (p.Cys82Ser)

Gene: BMPR1A (bone morphogenetic protein receptor type 1A; plus strand). Cytogenetic location: 10q23.2.
Variant type: single nucleotide variant.
Coding change: c.244T>A on transcript NM_004329.3 (MANE Select); coding-DNA position 244, T replaced by A.
Protein change: p.Cys82Ser; replaces cysteine 82 with serine.
Molecular consequence: missense variant.
Genome position (GRCh38, 1-based): chr10:86,892,140, T>A. VCF-style: chr10-86892140-T-A. GRCh37 (hg19) VCF-style: chr10-88651897-T-A.
Other names: short protein forms C82S.
Identifiers: ClinVar variation 954321 (VCV000954321.10), dbSNP rs1060503406, ClinGen allele CA377447941.

ClinVar aggregate classification (germline): Uncertain significance (1 of 4 stars; one submission).

Conditions:
Juvenile polyposis syndrome (JPS). Identifiers: Orphanet 2929, MedGen C0345893, MONDO:0017380, OMIM 174900.

Submission:

Labcorp Genetics (formerly Invitae), Labcorp
Classification: Uncertain significance for Juvenile polyposis syndrome. Last evaluated: 2019-07-05. Review status: criteria provided, single submitter. Criteria: Invitae Variant Classification Sherloc (09022015). Collection method: clinical testing. Allele origin: germline.
Comment: In summary, the available evidence is currently insufficient to determine the role of this variant in disease. Therefore, it has been classified as a Variant of Uncertain Significance. Algorithms developed to predict the effect of missense changes on protein structure and function are either unavailable or do not agree on the potential impact of this missense change (SIFT: "Deleterious"; PolyPhen-2: "Probably Damaging"; Align-GVGD: "Class C0"). This variant has not been reported in the literature in individuals with BMPR1A-related conditions. This sequence change replaces cysteine with serine at codon 82 of the BMPR1A protein (p.Cys82Ser). The cysteine residue is highly conserved and there is a moderate physicochemical difference between cysteine and serine. This variant is not present in population databases (ExAC no frequency).